The following is an entry in ClinVar:

NM_033118.4(MYLK2):c.58G>C (p.Ala20Pro)

Gene: MYLK2 (myosin light chain kinase 2; plus strand). Cytogenetic location: 20q11.21.
Variant type: single nucleotide variant.
Coding change: c.58G>C on transcript NM_033118.4 (MANE Select); coding-DNA position 58, G replaced by C.
Protein change: p.Ala20Pro; replaces alanine 20 with proline.
Molecular consequence: missense variant.
Genome position (GRCh38, 1-based): chr20:31,820,131, G>C. VCF-style: chr20-31820131-G-C. GRCh37 (hg19) VCF-style: chr20-30407934-G-C.
Other names: short protein forms A20P.
Identifiers: ClinVar variation 4824229 (VCV004824229.1).

ClinVar aggregate classification (germline): Uncertain significance (1 of 4 stars; one submission).

gnomAD v4.1: 1 of 1,613,620 alleles (0.000062%); highest among the groups gnomAD compares: Non-Finnish European, 0.000085%; no homozygotes.

Submission:

Ambry Genetics
Classification: Uncertain significance. Last evaluated: 2026-02-14. Review status: criteria provided, single submitter. Criteria: Ambry Variant Classification Scheme 2023. Collection method: clinical testing. Allele origin: germline.
Comment: The p.A20P variant (also known as c.58G>C), located in coding exon 2 of the MYLK2 gene, results from a G to C substitution at nucleotide position 58. The alanine at codon 20 is replaced by proline, an amino acid with highly similar properties. This amino acid position is conserved. In addition, this alteration is predicted to be tolerated by in silico analysis. Based on the available evidence, the clinical significance of this variant remains unclear.